The following is an entry in ClinVar:

NM_002796.3(PSMB4):c.706A>G (p.Thr236Ala)

Gene: PSMB4 (proteasome 20S subunit beta 4; plus strand). Cytogenetic location: 1q21.3.
Variant type: single nucleotide variant.
Coding change: c.706A>G on transcript NM_002796.3 (MANE Select); coding-DNA position 706, A replaced by G.
Protein change: p.Thr236Ala; replaces threonine 236 with alanine.
Molecular consequence: missense variant.
Genome position (GRCh38, 1-based): chr1:151,401,554, A>G. VCF-style: chr1-151401554-A-G. GRCh37 (hg19) VCF-style: chr1-151374030-A-G.
Other names: short protein forms T236A.
Identifiers: ClinVar variation 2826028 (VCV002826028.3), dbSNP rs2529161611, ClinGen allele CA341927452.

ClinVar aggregate classification (germline): Uncertain significance (1 of 4 stars; one submission).

gnomAD v4.1: 1 of 1,611,418 alleles (0.000062%); highest among the groups gnomAD compares: Non-Finnish European, 0.000085%; no homozygotes.

Submission:

Labcorp Genetics (formerly Invitae), Labcorp
Classification: Uncertain significance. Last evaluated: 2023-06-15. Review status: criteria provided, single submitter. Criteria: Invitae Variant Classification Sherloc (09022015). Collection method: clinical testing. Allele origin: germline.
Comment: This sequence change replaces threonine, which is neutral and polar, with alanine, which is neutral and non-polar, at codon 236 of the PSMB4 protein (p.Thr236Ala). This variant is not present in population databases (gnomAD no frequency). This variant has not been reported in the literature in individuals affected with PSMB4-related conditions. An algorithm developed to predict the effect of missense changes on protein structure and function (PolyPhen-2) suggests that this variant is likely to be tolerated. In summary, the available evidence is currently insufficient to determine the role of this variant in disease. Therefore, it has been classified as a Variant of Uncertain Significance.